The following is an entry in ClinVar:

ClinVar aggregate classification (germline): Likely benign. Review status: criteria provided, multiple submitters, no conflicts (2 of 4 stars). 5 submissions from 5 submitters: Likely benign (5). Last evaluated 2026-01-10.

Conditions:
Juvenile polyposis syndrome (JPS). Identifiers: Orphanet 2929, MedGen C0345893, MONDO:0017380, OMIM 174900.
Hereditary cancer-predisposing syndrome. Also called: Tumor predisposition; Neoplastic Syndromes, Hereditary; Hereditary Cancer Syndrome; Hereditary neoplastic syndrome. Identifiers: Orphanet 140162, MedGen C0027672, MeSH D009386, MONDO:0015356.

Allele frequency attached by ClinVar (database versions not stated): gnomAD 0.00001 and 0.00002; TOPMed 0.00002.
gnomAD v4.1: 32 of 1,614,066 alleles (0.002%); highest among the groups gnomAD compares: Non-Finnish European, 0.0026%; no homozygotes.

Submissions (5):

Labcorp Genetics (formerly Invitae), Labcorp
Classification: Likely benign for Juvenile polyposis syndrome. Last evaluated: 2026-01-10. Review status: criteria provided, single submitter. Criteria: Invitae Variant Classification Sherloc (09022015). Collection method: clinical testing. Allele origin: germline.

Myriad Genetics, Inc.
Classification: Likely benign for Juvenile polyposis syndrome. Last evaluated: 2024-08-08. Review status: criteria provided, single submitter. Criteria: Myriad Autosomal Dominant, Autosomal Recessive and X-Linked Classification Criteria (2023). Collection method: clinical testing. Allele origin: unknown.
Comment: This variant is considered likely benign. This variant is intronic and is not expected to impact mRNA splicing.

Sema4
Classification: Likely benign for Hereditary cancer-predisposing syndrome. Last evaluated: 2021-03-02. Review status: criteria provided, single submitter. Criteria: Sema4 Curation Guidelines. Collection method: curation. Allele origin: germline.

GeneDx
Classification: Likely benign. Last evaluated: 2017-11-06. Review status: criteria provided, single submitter. Criteria: GeneDx Variant Classification (06012015). Collection method: clinical testing. Allele origin: germline. Affected: yes.
Comment: This variant is considered likely benign or benign based on one or more of the following criteria: it is a conservative change, it occurs at a poorly conserved position in the protein, it is predicted to be benign by multiple in silico algorithms, and/or has population frequency not consistent with disease.

Color Diagnostics, LLC DBA Color Health
Classification: Likely benign for Hereditary cancer-predisposing syndrome. Last evaluated: 2017-10-06. Review status: criteria provided, single submitter. Criteria: ACMG Guidelines, 2015. Collection method: clinical testing. Allele origin: germline.

NM_004329.3(BMPR1A):c.1473+9A>G

Gene: BMPR1A (bone morphogenetic protein receptor type 1A; plus strand). Cytogenetic location: 10q23.2.
Variant type: single nucleotide variant.
Coding change: c.1473+9A>G on transcript NM_004329.3 (MANE Select); 9 bases into the intron after coding-DNA position 1473, A replaced by G.
Molecular consequence: intron variant.
Genome position (GRCh38, 1-based): chr10:86,923,515, A>G. VCF-style: chr10-86923515-A-G. GRCh37 (hg19) VCF-style: chr10-88683272-A-G.
Identifiers: ClinVar variation 416814 (VCV000416814.16), dbSNP rs920145716, ClinGen allele CA16612897.